The following is an entry in ClinVar:

NM_001368882.1(COL13A1):c.112C>T (p.Arg38Trp)

Gene: COL13A1 (collagen type XIII alpha 1 chain; plus strand). Cytogenetic location: 10q22.1.
Variant type: single nucleotide variant.
Coding change: c.112C>T on transcript NM_001368882.1 (MANE Select); coding-DNA position 112, C replaced by T.
Protein change: p.Arg38Trp; replaces arginine 38 with tryptophan.
Molecular consequence: missense variant. On other transcripts: 5 prime UTR variant (1).
Genome position (GRCh38, 1-based): chr10:69,802,535, C>T. VCF-style: chr10-69802535-C-T. GRCh37 (hg19) VCF-style: chr10-71562291-C-T.
Other names: c.112C>T, p.Arg38Trp (NM_001130103.2, NM_001320951.2, NM_001368883.1 and 11 more transcripts); c.-542C>T (NM_001368886.1); c.112C>T (NM_001130103.1); short protein forms R38W.
Identifiers: ClinVar variation 1353231 (VCV001353231.8), dbSNP rs765175319, ClinGen allele CA5533978.

ClinVar aggregate classification (germline): Uncertain significance. Review status: criteria provided, multiple submitters, no conflicts (2 of 4 stars). 3 submissions from 3 submitters: Uncertain significance (3). Last evaluated 2025-04-23.

Conditions:
Congenital myasthenic syndrome 19. Identifiers: Orphanet 590, MedGen C4225235, MONDO:0014745, OMIM 616720.
Inborn genetic diseases. Identifiers: MedGen C0950123, MeSH D030342.

Allele frequency attached by ClinVar (database versions not stated): gnomAD 0.00013 and 0.00012; gnomAD exomes 0.00035 and 0.00010; ExAC 0.00014; TOPMed 0.00018.

Submissions (3):

Revvity Omics, Revvity
Classification: Uncertain significance for Congenital myasthenic syndrome 19. Last evaluated: 2025-04-23. Review status: criteria provided, single submitter. Criteria: ACMG Guidelines, 2015. Collection method: clinical testing. Allele origin: germline.

Ambry Genetics
Classification: Uncertain significance for Inborn genetic diseases. Last evaluated: 2024-05-21. Review status: criteria provided, single submitter. Criteria: Ambry Variant Classification Scheme 2023. Collection method: clinical testing. Allele origin: germline.

Labcorp Genetics (formerly Invitae), Labcorp
Classification: Uncertain significance. Last evaluated: 2022-09-19. Review status: criteria provided, single submitter. Criteria: Invitae Variant Classification Sherloc (09022015). Collection method: clinical testing. Allele origin: germline.
Comment: This sequence change replaces arginine, which is basic and polar, with tryptophan, which is neutral and slightly polar, at codon 38 of the COL13A1 protein (p.Arg38Trp). This variant is present in population databases (rs765175319, gnomAD 0.02%). This variant has not been reported in the literature in individuals affected with COL13A1-related conditions. ClinVar contains an entry for this variant (Variation ID: 1353231). Algorithms developed to predict the effect of missense changes on protein structure and function are either unavailable or do not agree on the potential impact of this missense change (SIFT: "Deleterious"; PolyPhen-2: "Probably Damaging"; Align-GVGD: "Class C0"). In summary, the available evidence is currently insufficient to determine the role of this variant in disease. Therefore, it has been classified as a Variant of Uncertain Significance.